The following is an entry in ClinVar:

NM_015559.3(SETBP1):c.403C>T (p.Gln135Ter)

Gene: SETBP1 (SET binding protein 1; plus strand). Cytogenetic location: 18q12.3.
Variant type: single nucleotide variant.
Coding change: c.403C>T on transcript NM_015559.3 (MANE Select); coding-DNA position 403, C replaced by T.
Protein change: p.Gln135Ter; replaces glutamine 135 with a stop codon.
Molecular consequence: nonsense.
Genome position (GRCh38, 1-based): chr18:44,701,749, C>T. VCF-style: chr18-44701749-C-T. GRCh37 (hg19) VCF-style: chr18-42281714-C-T.
Other names: c.403C>T, p.Gln135Ter (NM_001130110.2, NM_001379141.1, NM_001379142.1 and 1 more transcripts); short protein forms Q135*.
Identifiers: ClinVar variation 3900788 (VCV003900788.1).

ClinVar aggregate classification (germline): Pathogenic (1 of 4 stars; one submission).

Submission:

GeneDx
Classification: Pathogenic. Last evaluated: 2024-12-01. Review status: criteria provided, single submitter. Criteria: GeneDx Variant Classification Process June 2021. Collection method: clinical testing. Allele origin: germline. Affected: yes.
Comment: Reported in a patient with severe intellectual impairment, low fine motor ability, and childhood apraxia of speech in published literature (PMID: 33907317); Nonsense variant predicted to result in protein truncation or nonsense mediated decay in a gene for which loss of function is a known mechanism of disease; Not observed at significant frequency in large population cohorts (gnomAD); This variant is associated with the following publications: (PMID: 33907317)